The following is an entry in ClinVar:

NM_198253.3(TERT):c.3256C>T (p.Arg1086Cys)

Gene: TERT (telomerase reverse transcriptase; minus strand). Cytogenetic location: 5p15.33.
Variant type: single nucleotide variant.
Coding change: c.3256C>T on transcript NM_198253.3 (MANE Select); coding-DNA position 3256, C replaced by T.
Protein change: p.Arg1086Cys; replaces arginine 1086 with cysteine.
Molecular consequence: missense variant. On other transcripts: non-coding transcript variant (2).
Genome position (GRCh38, 1-based): chr5:1,254,407, G>A on the plus strand (C>T on the coding strand, the complement: TERT is on the minus strand). VCF-style: chr5-1254407-G-A. GRCh37 (hg19) VCF-style: chr5-1254522-G-A.
Other names: c.3067C>T, p.Arg1023Cys (NM_001193376.3); short protein forms R1023C, R1086C.
Identifiers: ClinVar variation 1336733 (VCV001336733.9), dbSNP rs1747563544, ClinGen allele CA359067203.

ClinVar aggregate classification (germline): Uncertain significance. Review status: criteria provided, multiple submitters, no conflicts (2 of 4 stars). 3 submissions from 3 submitters: Uncertain significance (3). Last evaluated 2026-04-16.

Conditions:
Idiopathic Pulmonary Fibrosis. Also called: Idiopathic fibrosing alveolitis, chronic form; idiopathic fibrosing alveolitis. Identifiers: Orphanet 2032, MedGen C1800706, MeSH D054990, MONDO:0800504.
Dyskeratosis congenita, autosomal dominant 2. Identifiers: MedGen C3151443, MONDO:0013521, OMIM 613989.
Dyskeratosis congenita. Identifiers: Orphanet 1775, MedGen C0265965, MONDO:0015780.

Allele frequency attached by ClinVar (database versions not stated): TOPMed below 0.00001; gnomAD exomes below 0.00001.
gnomAD v4.1: 4 of 1,613,202 alleles (0.00025%); highest among the groups gnomAD compares: Non-Finnish European, 0.00025%; no homozygotes.

Submissions (3):

Ambry Genetics
Classification: Uncertain significance for Dyskeratosis congenita. Last evaluated: 2026-04-16. Review status: criteria provided, single submitter. Criteria: Ambry Variant Classification Scheme 2023. Collection method: clinical testing. Allele origin: germline.
Comment: The p.R1086C variant (also known as c.3256C>T), located in coding exon 15 of the TERT gene, results from a C to T substitution at nucleotide position 3256. The arginine at codon 1086 is replaced by cysteine, an amino acid with highly dissimilar properties. The variant was observed in an individual with myelodysplastic syndrome (MDS) and was observed to have severely reduced telomere elongation capacity by a functional assay (Reilly CR et al. Blood, 2021 Sep;138:898-911). This amino acid position is not well conserved in available vertebrate species. Based on internal structural analysis, this variant is expected to be structurally and functionally tolerated (Ambry internal data). In addition, the in silico prediction for this alteration is inconclusive. Based on the available evidence, the clinical significance of this variant remains unclear.

Labcorp Genetics (formerly Invitae), Labcorp
Classification: Uncertain significance for Dyskeratosis congenita, autosomal dominant 2; Idiopathic Pulmonary Fibrosis. Last evaluated: 2024-11-24. Review status: criteria provided, single submitter. Criteria: Invitae Variant Classification Sherloc (09022015). Collection method: clinical testing. Allele origin: germline.
Comment: This sequence change replaces arginine, which is basic and polar, with cysteine, which is neutral and slightly polar, at codon 1086 of the TERT protein (p.Arg1086Cys). This variant is not present in population databases (gnomAD no frequency). This missense change has been observed in individual(s) with myelodysplastic syndrome and/or pulmonary fibrosis (PMID: 28099038, 34019641). ClinVar contains an entry for this variant (Variation ID: 1336733). An algorithm developed to predict the effect of missense changes on protein structure and function outputs the following: PolyPhen-2: "Benign". The cysteine amino acid residue is found in multiple mammalian species, which suggests that this missense change does not adversely affect protein function. In summary, the available evidence is currently insufficient to determine the role of this variant in disease. Therefore, it has been classified as a Variant of Uncertain Significance.

Genetic Services Laboratory, University of Chicago
Classification: Uncertain significance. Last evaluated: 2018-07-02. Review status: criteria provided, single submitter. Criteria: ACMG Guidelines, 2015. Collection method: clinical testing. Allele origin: germline. Affected: no.

Literature cited by the submitters: PubMed 34019641 (cited by Ambry Genetics and Labcorp Genetics (formerly Invitae), Labcorp); PubMed 35418675 (cited by Ambry Genetics); PubMed 28099038 (cited by Labcorp Genetics (formerly Invitae), Labcorp).